The following is an entry in ClinVar:

NM_001042646.3(TRAK1):c.2799T>C (p.Pro933=)

Gene: TRAK1 (trafficking kinesin protein 1; plus strand). Cytogenetic location: 3p22.1.
Variant type: single nucleotide variant.
Coding change: c.2799T>C on transcript NM_001042646.3 (MANE Select); coding-DNA position 2799, T replaced by C.
Protein change: p.Pro933=; no amino-acid change (proline 933 retained).
Molecular consequence: synonymous variant. On other transcripts: 3 prime UTR variant (1), non-coding transcript variant (1).
Genome position (GRCh38, 1-based): chr3:42,223,674, T>C. VCF-style: chr3-42223674-T-C. GRCh37 (hg19) VCF-style: chr3-42265166-T-C.
Other names: c.2424T>C, p.Pro808= (NM_001349245.1); c.2736T>C, p.Pro912= (NM_001349246.2); c.*753T>C (NM_001349247.2); c.2514T>C, p.Pro838= (NM_001349248.1); c.2577T>C, p.Pro859= (NM_001349249.1).
Identifiers: ClinVar variation 1281419 (VCV001281419.12), dbSNP rs12487911, ClinGen allele CA2333935.

ClinVar aggregate classification (germline): Benign. Review status: criteria provided, multiple submitters, no conflicts (2 of 4 stars). 4 submissions from 4 submitters: Benign (3). 1 of the submissions does not count toward it. Last evaluated 2026-02-01.

Conditions:
TRAK1-related disorder. Also called: TRAK1-related condition.

Allele frequency attached by ClinVar (database versions not stated): gnomAD exomes 0.08872 and 0.11154; TOPMed 0.19898; ESP Exome Variant Server 0.18235; 1000 Genomes Project 0.20567; 1000 Genomes Project 30x 0.21533; gnomAD 0.19104 and 0.18412; ExAC 0.11890.
gnomAD v4.1: 158,103 of 1,613,806 alleles (9.8%); highest among the groups gnomAD compares: African/African-American, 44%; 12,864 homozygotes.

Submissions (4):

Labcorp Genetics (formerly Invitae), Labcorp
Classification: Benign. Last evaluated: 2026-02-01. Review status: criteria provided, single submitter. Criteria: Invitae Variant Classification Sherloc (09022015). Collection method: clinical testing. Allele origin: germline.

GeneDx
Classification: Benign. Last evaluated: 2021-05-10. Review status: criteria provided, single submitter. Criteria: GeneDx Variant Classification Process June 2021. Collection method: clinical testing. Allele origin: germline. Affected: yes.

Breakthrough Genomics
Classification: Benign. Review status: criteria provided, single submitter. Criteria: ACMG Guidelines, 2015. Collection method: not provided. Allele origin: germline. Inheritance: Autosomal recessive inheritance. Affected: yes.

PreventionGenetics, part of Exact Sciences
Classification: Benign for TRAK1-related condition. Last evaluated: 2019-10-29. Review status: no assertion criteria provided. Collection method: clinical testing. Allele origin: germline. Not counted in ClinVar's aggregate classification.
Comment: This variant is classified as benign based on ACMG/AMP sequence variant interpretation guidelines (Richards et al. 2015 PMID: 25741868, with internal and published modifications).